The following is an entry in ClinVar:

ClinVar aggregate classification (germline): Uncertain significance. Review status: criteria provided, multiple submitters, no conflicts (2 of 4 stars). 2 submissions from 2 submitters: Uncertain significance (2). Last evaluated 2025-10-01.

Conditions:
Nemaline myopathy 2 (NEM2). Also called: Nemaline myopathy 2, autosomal recessive. Identifiers: MedGen C1850569, MONDO:0009725, OMIM 256030.

Allele frequency attached by ClinVar (database versions not stated): ExAC 0.00001; gnomAD exomes 0.00004; TOPMed 0.00006; gnomAD 0.00005.
gnomAD v4.1: 66 of 1,612,834 alleles (0.0041%); highest among the groups gnomAD compares: Non-Finnish European, 0.005%; no homozygotes.

Submissions (2):

Labcorp Genetics (formerly Invitae), Labcorp
Classification: Uncertain significance for Nemaline myopathy 2. Last evaluated: 2025-10-01. Review status: criteria provided, single submitter. Criteria: Invitae Variant Classification Sherloc (09022015). Collection method: clinical testing. Allele origin: germline.
Comment: This sequence change replaces serine, which is neutral and polar, with leucine, which is neutral and non-polar, at codon 1975 of the NEB protein (p.Ser1975Leu). This variant is present in population databases (rs772257977, gnomAD 0.003%). This missense change has been observed in individual(s) with clinical features of NEB-related conditions (PMID: 32222963). ClinVar contains an entry for this variant (Variation ID: 1975515). Experimental studies and prediction algorithms are not available or were not evaluated, and the functional significance of this variant is currently unknown. In summary, the available evidence is currently insufficient to determine the role of this variant in disease. Therefore, it has been classified as a Variant of Uncertain Significance.

Revvity Omics, Revvity
Classification: Uncertain significance. Last evaluated: 2020-09-09. Review status: criteria provided, single submitter. Criteria: ACMG Guidelines, 2015. Collection method: clinical testing. Allele origin: germline.

Literature cited by the submitters: PubMed 32222963 (cited by Labcorp Genetics (formerly Invitae), Labcorp).

NM_001164508.2(NEB):c.5924C>T (p.Ser1975Leu)

Gene: NEB (nebulin; minus strand). Cytogenetic location: 2q23.3.
Variant type: single nucleotide variant.
Coding change: c.5924C>T on transcript NM_001164508.2 (MANE Select); coding-DNA position 5924, C replaced by T.
Protein change: p.Ser1975Leu; replaces serine 1975 with leucine.
Molecular consequence: missense variant.
Genome position (GRCh38, 1-based): chr2:151,662,181, G>A on the plus strand (C>T on the coding strand, the complement: NEB is on the minus strand). VCF-style: chr2-151662181-G-A. GRCh37 (hg19) VCF-style: chr2-152518695-G-A.
Other names: c.5924C>T, p.Ser1975Leu (NM_001164507.2, NM_001271208.2, NM_004543.5); short protein forms S1975L.
Identifiers: ClinVar variation 1975515 (VCV001975515.6), dbSNP rs772257977, ClinGen allele CA1910242.
Genomic context (GRCh38, chr2:151,662,181, plus strand): 5'-ATTGAAAGACTTACTTCGTTCATAATTTTTGCATTATTCTGGGCCAAAACCATGTTCATC[G>A]AGTCCATGAGTGTGGAATACTTCAAAGTGTCTGGGTGCTGGCGGTACTTCTTTTCACTAA-3'
Protein context (NP_001157980.2, residues 1965-1985): DTLKYSTLMD[Ser1975Leu]MNMVLAQNNA